The following is an entry in ClinVar:

ClinVar aggregate classification (germline): Uncertain significance. Review status: criteria provided, multiple submitters, no conflicts (2 of 4 stars). 3 submissions from 3 submitters: Uncertain significance (3). Last evaluated 2026-03-25.

Conditions:
2-aminoadipic 2-oxoadipic aciduria (AAKAD). Also called: Aminoadipic aciduria; ALPHA-AMINOADIPIC AND ALPHA-KETOADIPIC ACIDURIA. Identifiers: Orphanet 79154, MedGen C1859817, MONDO:0008774, OMIM 204750.
DHTKD1-related disorder. Also called: DHTKD1-related condition.
Inborn genetic diseases. Identifiers: MedGen C0950123, MeSH D030342.

Allele frequency attached by ClinVar (database versions not stated): gnomAD exomes below 0.00001; gnomAD 0.00001; TOPMed 0.00002.
gnomAD v4.1: 4 of 1,520,758 alleles (0.00026%); highest among the groups gnomAD compares: African/African-American, 0.0014%; no homozygotes.

Submissions (3):

PreventionGenetics, part of Exact Sciences
Classification: Uncertain significance for DHTKD1-related condition. Last evaluated: 2026-03-25. Review status: criteria provided, single submitter. Criteria: ACMG Guidelines, 2015. Collection method: clinical testing. Allele origin: germline.
Comment: The DHTKD1 c.1744T>G variant is predicted to result in the amino acid substitution p.Leu582Val. To our knowledge, this variant has not been reported in the literature or in a large population database (gnomAD), indicating this variant is rare. At this time, the clinical significance of this variant is uncertain due to the absence of conclusive functional and genetic evidence.

Ambry Genetics
Classification: Uncertain significance for Inborn genetic diseases. Last evaluated: 2024-09-07. Review status: criteria provided, single submitter. Criteria: Ambry Variant Classification Scheme 2023. Collection method: clinical testing. Allele origin: germline.

Labcorp Genetics (formerly Invitae), Labcorp
Classification: Uncertain significance for 2-aminoadipic 2-oxoadipic aciduria. Last evaluated: 2024-05-23. Review status: criteria provided, single submitter. Criteria: Invitae Variant Classification Sherloc (09022015). Collection method: clinical testing. Allele origin: germline.
Comment: This sequence change replaces leucine, which is neutral and non-polar, with valine, which is neutral and non-polar, at codon 582 of the DHTKD1 protein (p.Leu582Val). This variant is not present in population databases (gnomAD no frequency). This variant has not been reported in the literature in individuals affected with DHTKD1-related conditions. Advanced modeling of protein sequence and biophysical properties (such as structural, functional, and spatial information, amino acid conservation, physicochemical variation, residue mobility, and thermodynamic stability) performed at Invitae indicates that this missense variant is not expected to disrupt DHTKD1 protein function with a negative predictive value of 80%. In summary, the available evidence is currently insufficient to determine the role of this variant in disease. Therefore, it has been classified as a Variant of Uncertain Significance.

NM_018706.7(DHTKD1):c.1744T>G (p.Leu582Val)

Gene: DHTKD1 (dehydrogenase E1 and transketolase domain containing 1; plus strand). Cytogenetic location: 10p14.
Variant type: single nucleotide variant.
Coding change: c.1744T>G on transcript NM_018706.7 (MANE Select); coding-DNA position 1744, T replaced by G.
Protein change: p.Leu582Val; replaces leucine 582 with valine.
Molecular consequence: missense variant.
Genome position (GRCh38, 1-based): chr10:12,100,250, T>G. VCF-style: chr10-12100250-T-G. GRCh37 (hg19) VCF-style: chr10-12142249-T-G.
Other names: c.1744T>G (NM_018706.5, NM_018706.6); short protein forms L582V.
Identifiers: ClinVar variation 3023817 (VCV003023817.5), dbSNP rs983914326, ClinGen allele CA202587199.